The following is an entry in ClinVar:

ClinVar aggregate classification (germline): Uncertain significance. Review status: criteria provided, multiple submitters, no conflicts (2 of 4 stars). 2 submissions from 2 submitters: Uncertain significance (2). Last evaluated 2024-07-02.

Conditions:
Inborn genetic diseases. Identifiers: MedGen C0950123, MeSH D030342.

Allele frequency attached by ClinVar (database versions not stated): gnomAD exomes 0.00004 and 0.00005; ExAC 0.00005; gnomAD 0.00009 and 0.00010; TOPMed 0.00009; 1000 Genomes Project 0.00020; 1000 Genomes Project 30x 0.00031.

Submissions (2):

Ambry Genetics
Classification: Uncertain significance for Inborn genetic diseases. Last evaluated: 2024-07-02. Review status: criteria provided, single submitter. Criteria: Ambry Variant Classification Scheme 2023. Collection method: clinical testing. Allele origin: germline.

Labcorp Genetics (formerly Invitae), Labcorp
Classification: Uncertain significance. Last evaluated: 2022-06-17. Review status: criteria provided, single submitter. Criteria: Invitae Variant Classification Sherloc (09022015). Collection method: clinical testing. Allele origin: germline.
Comment: This sequence change replaces glycine, which is neutral and non-polar, with serine, which is neutral and polar, at codon 1008 of the ADAMTS17 protein (p.Gly1008Ser). This variant is present in population databases (rs531700897, gnomAD 0.02%). This variant has not been reported in the literature in individuals affected with ADAMTS17-related conditions. Algorithms developed to predict the effect of missense changes on protein structure and function are either unavailable or do not agree on the potential impact of this missense change (SIFT: "Not Available"; PolyPhen-2: "Probably Damaging"; Align-GVGD: "Not Available"). In summary, the available evidence is currently insufficient to determine the role of this variant in disease. Therefore, it has been classified as a Variant of Uncertain Significance.

NM_139057.4(ADAMTS17):c.3022G>A (p.Gly1008Ser)

Gene: ADAMTS17 (ADAM metallopeptidase with thrombospondin type 1 motif 17; minus strand). Cytogenetic location: 15q26.3.
Variant type: single nucleotide variant.
Coding change: c.3022G>A on transcript NM_139057.4 (MANE Select); coding-DNA position 3022, G replaced by A.
Protein change: p.Gly1008Ser; replaces glycine 1008 with serine.
Molecular consequence: missense variant.
Genome position (GRCh38, 1-based): chr15:99,976,150, C>T on the plus strand (G>A on the coding strand, the complement: ADAMTS17 is on the minus strand). VCF-style: chr15-99976150-C-T. GRCh37 (hg19) VCF-style: chr15-100516355-C-T.
Other names: c.3022G>A (NM_139057.2); short protein forms G1008S.
Identifiers: ClinVar variation 1524554 (VCV001524554.4), dbSNP rs531700897, ClinGen allele CA7757498.
Genomic context (GRCh38, chr15:99,976,150, plus strand): 5'-AGACCTCCTGGTAGCACTGTCTGTAGGGGGCAGGCTTCGAGAGGGCGGGGCACTCGCTGC[C>T]GTGGCGCCCTGTGACCTTGTGCATGCACTGCACCACCCGGGACTGCAGGCCCTTCCCGCA-3'
Protein context (NP_620688.2, residues 998-1018): QCMHKVTGRH[Gly1008Ser]SECPALSKPA